The following is an entry in ClinVar:

ClinVar aggregate classification (germline): Uncertain significance (1 of 4 stars; one submission).

Conditions:
Hereditary breast ovarian cancer syndrome. Also called: BRCA1- and BRCA2-Associated Hereditary Breast and Ovarian Cancer; Hereditary breast and ovarian cancer; Hereditary breast and ovarian cancer syndrome (HBOC); Hereditary breast and/or ovarian cancer syndrome; Hereditary breast and ovarian cancer syndrome; Breast and ovarian cancer. Identifiers: Orphanet 145, MedGen C0677776, MeSH D061325, MONDO:0003582. Disease mechanism: loss of function.

Allele frequency attached by ClinVar (database versions not stated): gnomAD exomes below 0.00001.
gnomAD v4.1: 1 of 1,614,128 alleles (0.000062%); highest among the groups gnomAD compares: Non-Finnish European, 0.000085%; no homozygotes.

Submission:

Labcorp Genetics (formerly Invitae), Labcorp
Classification: Uncertain significance for Hereditary breast ovarian cancer syndrome. Last evaluated: 2023-07-27. Review status: criteria provided, single submitter. Criteria: Invitae Variant Classification Sherloc (09022015). Collection method: clinical testing. Allele origin: germline.
Comment: This variant has not been reported in the literature in individuals affected with BRCA2-related conditions. In summary, the available evidence is currently insufficient to determine the role of this variant in disease. Therefore, it has been classified as a Variant of Uncertain Significance. Advanced modeling of protein sequence and biophysical properties (such as structural, functional, and spatial information, amino acid conservation, physicochemical variation, residue mobility, and thermodynamic stability) performed at Invitae indicates that this missense variant is not expected to disrupt BRCA2 protein function. ClinVar contains an entry for this variant (Variation ID: 1989914). This variant is not present in population databases (gnomAD no frequency). This sequence change replaces proline, which is neutral and non-polar, with leucine, which is neutral and non-polar, at codon 3373 of the BRCA2 protein (p.Pro3373Leu).

NM_000059.4(BRCA2):c.10118C>T (p.Pro3373Leu)

Gene: BRCA2 (BRCA2 DNA repair associated; plus strand). Cytogenetic location: 13q13.1.
Variant type: single nucleotide variant.
Coding change: c.10118C>T on transcript NM_000059.4 (MANE Select); coding-DNA position 10118, C replaced by T.
Protein change: p.Pro3373Leu; replaces proline 3373 with leucine.
Molecular consequence: missense variant.
Genome position (GRCh38, 1-based): chr13:32,398,631, C>T. VCF-style: chr13-32398631-C-T. GRCh37 (hg19) VCF-style: chr13-32972768-C-T.
Other names: c.10022C>T, p.Pro3341Leu (NM_001406719.1); c.10067C>T, p.Pro3356Leu (NM_001406720.1); c.5186C>T, p.Pro1729Leu (NM_001406721.1); c.3701C>T, p.Pro1234Leu (NM_001406722.1); short protein forms P1234L, P1729L, P3341L, P3356L, P3373L.
Identifiers: ClinVar variation 1989914 (VCV001989914.4), dbSNP rs2137666807, ClinGen allele CA387768059.